The following is an entry in ClinVar:

NM_020207.7(ERCC6L2):c.3997A>G (p.Lys1333Glu)

Gene: ERCC6L2 (ERCC excision repair 6 like 2; plus strand). Cytogenetic location: 9q22.32.
Variant type: single nucleotide variant.
Coding change: c.3997A>G on transcript NM_020207.7 (MANE Select); coding-DNA position 3997, A replaced by G.
Protein change: p.Lys1333Glu; replaces lysine 1333 with glutamic acid.
Molecular consequence: missense variant. On other transcripts: non-coding transcript variant (1), intron variant (2).
Genome position (GRCh38, 1-based): chr9:96,012,547, A>G. VCF-style: chr9-96012547-A-G. GRCh37 (hg19) VCF-style: chr9-98774829-A-G.
Other names: c.3674+7846A>G (NM_001375291.1, NM_001375292.1); short protein forms K1333E.
Identifiers: ClinVar variation 4696144 (VCV004696144.1).

ClinVar aggregate classification (germline): Uncertain significance (1 of 4 stars; one submission).

gnomAD v4.1: 4 of 1,367,448 alleles (0.00029%); highest among the groups gnomAD compares: East Asian, 0.018%; no homozygotes.

Submission:

Labcorp Genetics (formerly Invitae), Labcorp
Classification: Uncertain significance. Last evaluated: 2025-12-09. Review status: criteria provided, single submitter. Criteria: Invitae Variant Classification Sherloc (09022015). Collection method: clinical testing. Allele origin: germline.
Comment: This sequence change replaces lysine, which is basic and polar, with glutamic acid, which is acidic and polar, at codon 1344 of the ERCC6L2 protein (p.Lys1344Glu). This variant is present in population databases (rs762526541, gnomAD 0.05%). This variant has not been reported in the literature in individuals affected with ERCC6L2-related conditions. Experimental studies and prediction algorithms are not available or were not evaluated, and the functional significance of this variant is currently unknown. In summary, the available evidence is currently insufficient to determine the role of this variant in disease. Therefore, it has been classified as a Variant of Uncertain Significance.